The following is an entry in ClinVar:

ClinVar aggregate classification (germline): Uncertain significance. Review status: reviewed by expert panel (3 of 4 stars). 9 submissions from 9 submitters: Uncertain significance (1). 8 of the submissions do not count toward it. Last evaluated 2025-12-17.

Conditions:
Autosomal recessive nonsyndromic hearing loss 4 (DFNB4). Also called: Enlarged vestibular aqueduct, digenic; Nonsyndromic enlarged vestibular aqueduct (NSEVA); Deafness, autosomal recessive 4, with enlarged vestibular aqueduct; Deafness, autosomal recessive 4; FOXI1-Related Pendred Syndrome; KCNJ10-Related Pendred Syndrome. Identifiers: Orphanet 90636, MedGen C3538946, MONDO:0010933, OMIM 600791.
Pendred syndrome (PDS). Also called: Pendred's syndrome; Pendred Syndrome (PDS); DEAFNESS WITH GOITER; GOITER-DEAFNESS SYNDROME; HYPOTHYROIDISM, CONGENITAL, DUE TO DYSHORMONOGENESIS, 2B; THYROID DYSHORMONOGENESIS 2B. Identifiers: Orphanet 705, MedGen C0271829, MONDO:0010134, OMIM 274600.
SLC26A4-related disorder. Also called: SLC26A4-related condition; SLC26A4-related disorders.

Allele frequency attached by ClinVar (database versions not stated): gnomAD exomes 0.00003; gnomAD 0.00005 and 0.00006; TOPMed 0.00005; ExAC 0.00006; ESP Exome Variant Server 0.00015.
gnomAD v4.1: 77 of 1,599,856 alleles (0.0048%); highest among the groups gnomAD compares: Middle Eastern, 0.18%; no homozygotes.

Submissions (9):

ClinGen Hearing Loss Variant Curation Expert Panel
Classification: Uncertain significance for Pendred syndrome. Last evaluated: 2025-12-17. Review status: reviewed by expert panel. Criteria: Clingen Hl Acmg Specifications Cdh23 Coch Gjb2 Kcnq4 Myo6 Myo7a Slc26a4 Tecta Ush2a V2. Collection method: curation. Allele origin: germline. Inheritance: Autosomal recessive inheritance.
Comment: The c.1454C>T variant in SLC26A4 is a missense variant predicted to cause substitution of threonine by methionine at amino acid 485. The highest population minor allele frequency in gnomAD v4.1.0 is 0.00004626 (54/1167420 alleles) in the European Non-Finnish population, which is lower than the ClinGen HL VCEP threshold (<0.00007) for PM2_Supporting, meeting this criterion (PM2_Supporting). The computational predictor REVEL gives a score of 0.828, which is above the threshold of 0.7, evidence that correlates with impact to SCL26A4 function (PP3). One individual homozygous for this variant displayed hearing loss and enlarged vestibular aqueduct, which is highly specific for Pendred syndrome (0.5 PM3 points, PP4, PMID: 21366435). However, this variant has also been observed in the homozygous state in at least seven apparently healthy adults and one infant with no reported hearing loss (BS2; GeneDx internal data, SCV001816539.1) One individual with bilateral sensorineural hearing loss was compound heterozygous for the variant in trans with another missense variant classified as uncertain significance by the ClinGen HL VCEP (c.-103T>C) (0.25 PM3 points;GeneDx internal data, SCV001816539.1). One individual with progressive unilateral mixed hearing loss was compound heterozygous for the variant and a pathogenic variant published by multiple submitters in ClinVar (c.1489G>A (p.Gly497Ser)) and phase unknown with a variant of uncertain significance (c.2059G>T (p.Asp687Tyr)) (1 PM3 point; GeneDx internal data, SCV001816539.1). Functional studies have shown reduced iodide transport capacity, however there was no effect on cell membrane localization using fluorescence (PS3_supporting, PMID: 34545167). Another missense variant c.1454C>G p.(Thr485Arg) in the same codon has been reported in a patient with Pendred syndrome; functional studies also showed reduced iodide transport capacity (PMID: 18285825, 19017801). However, this variant has not yet met the criteria to be classified as pathogenic or likely pathogenic by the ClinGen HL VCEP (PM5_Supporting). In summary, this variant has been classified as a variant of uncertain significance for autosomal recessive Pendred syndrome based on the ACMG/AMP criteria applied, as specified by the ClinGen Hearing Loss VCEP: PM2_Supporting, PP3, PM3, BS2, PP4, PS3_Supporting, PM5_Supporting (ClinGen Hearing Loss VCEP specifications version 2; 12/17/2025).

GeneDx
Classification: Uncertain significance. Last evaluated: 2026-01-15. Review status: criteria provided, single submitter. Criteria: GeneDx Variant Classification Process June 2021. Collection method: clinical testing. Allele origin: germline. Not counted in ClinVar's aggregate classification.
Comment: Observed in homozygous state in a patient with hearing loss in the literature, and also observed in homozygous state in multiple unrelated healthy adult individuals tested at GeneDx (PMID: 21366435); Published functional studies suggest a damaging effect due to reduced transport of iodide compared to wild-type (PMID: 34545167); In silico analysis supports that this missense variant has a deleterious effect on protein structure/function; This variant is associated with the following publications: (PMID: 27771369, 34545167, 21704276, 21366435)

Labcorp Genetics (formerly Invitae), Labcorp
Classification: Likely pathogenic. Last evaluated: 2026-01-11. Review status: criteria provided, single submitter. Criteria: Invitae Variant Classification Sherloc (09022015). Collection method: clinical testing. Allele origin: germline. Not counted in ClinVar's aggregate classification.
Comment: This sequence change replaces threonine, which is neutral and polar, with methionine, which is neutral and non-polar, at codon 485 of the SLC26A4 protein (p.Thr485Met). This variant is present in population databases (rs370029782, gnomAD 0.01%). This missense change has been observed in individual(s) with SLC26A4-related conditions (PMID: 21366435, 21704276, 34545167). ClinVar contains an entry for this variant (Variation ID: 554960). Invitae Evidence Modeling of protein sequence and biophysical properties (such as structural, functional, and spatial information, amino acid conservation, physicochemical variation, residue mobility, and thermodynamic stability) indicates that this missense variant is expected to disrupt SLC26A4 protein function with a positive predictive value of 95%. Experimental studies have shown that this missense change affects SLC26A4 function (PMID: 34545167). This variant disrupts the p.Thr485 amino acid residue in SLC26A4. Other variant(s) that disrupt this residue have been determined to be pathogenic (PMID: 18285825, 19017801). This suggests that this residue is clinically significant, and that variants that disrupt this residue are likely to be disease-causing. In summary, the currently available evidence indicates that the variant is pathogenic, but additional data are needed to prove that conclusively. Therefore, this variant has been classified as Likely Pathogenic.

PreventionGenetics, part of Exact Sciences
Classification: Uncertain significance for SLC26A4-related condition. Last evaluated: 2025-12-01. Review status: criteria provided, single submitter. Criteria: ACMG Guidelines, 2015. Collection method: clinical testing. Allele origin: germline. Not counted in ClinVar's aggregate classification.
Comment: The SLC26A4 c.1454C>T variant is predicted to result in the amino acid substitution p.Thr485Met. This variant has been reported in the heterozygous or homozygous state in individuals with SLC26A4-related disorders (Mercer et al. 2011. PubMed ID: 21366435; Chen et al. 2011. PubMed ID: 21704276; Zhang et al. 2021. PubMed ID: 34545167). In vitro experimental studies indicate this variant reduces ion transport (Zhang et al. 2021. PubMed ID: 34545167). This variant is reported in 0.010% of alleles in individuals of East Asian descent in gnomAD. Another missense variant affecting the same amino acid (p.Thr485Arg) has been reported in individuals with Pendred syndrome (Pera et al. 2008. PubMed ID: 18285825). At this time, the clinical significance of this variant is uncertain due to the absence of conclusive functional and genetic evidence.

First Genomix Gene Laboratory, Genetic Diagnostics Department
Classification: Likely pathogenic for Autosomal recessive nonsyndromic hearing loss 4; Pendred syndrome. Last evaluated: 2025-01-16. Review status: criteria provided, single submitter. Criteria: ACMG Guidelines, 2015. Collection method: clinical testing. Allele origin: germline. Inheritance: Autosomal recessive inheritance. Affected: no. Observed: 1 variant allele. Not counted in ClinVar's aggregate classification.

Fulgent Genetics
Classification: Likely pathogenic for Pendred syndrome; Autosomal recessive nonsyndromic hearing loss 4. Last evaluated: 2024-05-10. Review status: criteria provided, single submitter. Criteria: ACMG Guidelines, 2015. Collection method: clinical testing. Allele origin: germline. Not counted in ClinVar's aggregate classification.

Mendelics
Classification: Pathogenic for Pendred syndrome. Last evaluated: 2022-05-04. Review status: criteria provided, single submitter. Criteria: Mendelics Assertion Criteria 2019. Collection method: clinical testing. Allele origin: germline. Not counted in ClinVar's aggregate classification.

Myriad Genetics, Inc.
Classification: Uncertain significance for Pendred syndrome. Last evaluated: 2021-11-03. Review status: criteria provided, single submitter. Criteria: Myriad Women's Health Autosomal Recessive and X-Linked Classification Criteria (2021). Collection method: clinical testing. Allele origin: unknown. Not counted in ClinVar's aggregate classification.
Comment: NM_000441.1(SLC26A4):c.1454C>T(T485M) is a missense variant classified as a variant of uncertain significance in the context of Pendred syndrome. T485M has been observed in cases with relevant disease (PMID: 21366435, 21704276). Functional assessments of this variant are not available in the literature. T485M has been observed in population frequency databases (gnomAD: EAS 0.01%). In summary, there is insufficient evidence to classify NM_000441.1(SLC26A4):c.1454C>T(T485M) as pathogenic or benign. Please note: this variant was assessed in the context of healthy population screening.

The Core Laboratory in Medical Center of Clinical Research, Shanghai Ninth People's Hospital, Shanghai Jiaotong University School of Medicine
Classification: Pathogenic for Pendred syndrome. Last evaluated: 2020-05-12. Review status: no assertion criteria provided. Collection method: clinical testing. Allele origin: inherited. Affected: yes. Observed: 1 variant allele. Not counted in ClinVar's aggregate classification.

Literature cited by the submitters: PubMed 21366435 (cited by Labcorp Genetics (formerly Invitae), Labcorp and Myriad Genetics, Inc.); PubMed 21704276 (cited by Labcorp Genetics (formerly Invitae), Labcorp and Myriad Genetics, Inc.); PubMed 34545167 (cited by Labcorp Genetics (formerly Invitae), Labcorp); PubMed 18285825 (cited by Labcorp Genetics (formerly Invitae), Labcorp); PubMed 19017801 (cited by Labcorp Genetics (formerly Invitae), Labcorp).

NM_000441.2(SLC26A4):c.1454C>T (p.Thr485Met)

Gene: SLC26A4 (solute carrier family 26 member 4; plus strand). Cytogenetic location: 7q22.3.
Variant type: single nucleotide variant.
Coding change: c.1454C>T on transcript NM_000441.2 (MANE Select); coding-DNA position 1454, C replaced by T.
Protein change: p.Thr485Met; replaces threonine 485 with methionine.
Molecular consequence: missense variant.
Genome position (GRCh38, 1-based): chr7:107,695,949, C>T. VCF-style: chr7-107695949-C-T. GRCh37 (hg19) VCF-style: chr7-107336394-C-T.
Other names: NM_000441.2(SLC26A4):c.1454C>T; p.Thr485Met; short protein forms T485M.
Identifiers: ClinVar variation 554960 (VCV000554960.18), dbSNP rs370029782, ClinGen allele CA4432828.